The following is an entry in ClinVar:

ClinVar aggregate classification (germline): Uncertain significance (1 of 4 stars; one submission).

Conditions:
Megaconial type congenital muscular dystrophy (MDCMC). Also called: CHKB-Related Muscular Dystrophy; CHKB-Related Muscle Diseases; MUSCULAR DYSTROPHY, CONGENITAL, WITH MITOCHONDRIAL STRUCTURAL ABNORMALITIES. Identifiers: Orphanet 280671, MedGen C1865233, MONDO:0011246, OMIM 602541.

Submission:

Labcorp Genetics (formerly Invitae), Labcorp
Classification: Uncertain significance for Megaconial type congenital muscular dystrophy. Last evaluated: 2022-05-17. Review status: criteria provided, single submitter. Criteria: Invitae Variant Classification Sherloc (09022015). Collection method: clinical testing. Allele origin: germline.
Comment: This sequence change replaces glycine, which is neutral and non-polar, with alanine, which is neutral and non-polar, at codon 59 of the CHKB protein (p.Gly59Ala). This variant is not present in population databases (gnomAD no frequency). This variant has not been reported in the literature in individuals affected with CHKB-related conditions. Algorithms developed to predict the effect of missense changes on protein structure and function are either unavailable or do not agree on the potential impact of this missense change (SIFT: "Tolerated"; PolyPhen-2: "Probably Damaging"; Align-GVGD: "Class C0"). In summary, the available evidence is currently insufficient to determine the role of this variant in disease. Therefore, it has been classified as a Variant of Uncertain Significance.

NM_005198.5(CHKB):c.176G>C (p.Gly59Ala)

Genes: CHKB (choline kinase beta; minus strand), CHKB-CPT1B (CHKB-CPT1B readthrough (NMD candidate); minus strand). Cytogenetic location: 22q13.33.
Variant type: single nucleotide variant.
Coding change: c.176G>C on transcript NM_005198.5 (MANE Select); coding-DNA position 176, G replaced by C.
Protein change: p.Gly59Ala; replaces glycine 59 with alanine.
Molecular consequence: missense variant. On other transcripts: non-coding transcript variant (1).
Genome position (GRCh38, 1-based): chr22:50,582,606, C>G on the plus strand (G>C on the coding strand, the complement: CHKB is on the minus strand). VCF-style: chr22-50582606-C-G. GRCh37 (hg19) VCF-style: chr22-51021035-C-G.
Other names: short protein forms G59A.
Identifiers: ClinVar variation 1995529 (VCV001995529.4), dbSNP rs775814577, ClinGen allele CA412203220.